The following is an entry in ClinVar:

ClinVar aggregate classification (germline): Uncertain significance. Review status: criteria provided, multiple submitters, no conflicts (2 of 4 stars). 2 submissions from 2 submitters: Uncertain significance (2). Last evaluated 2024-06-14.

Conditions:
Early-infantile DEE. Also called: Early infantile epileptic encephalopathy with suppression bursts; Early infantile epileptic encephalopathy; Ohtahara syndrome. Identifiers: Orphanet 1934, MedGen C0393706, MONDO:0800491.

Submissions (2):

GeneDx
Classification: Uncertain significance. Last evaluated: 2024-06-14. Review status: criteria provided, single submitter. Criteria: GeneDx Variant Classification Process June 2021. Collection method: clinical testing. Allele origin: germline. Affected: yes.
Comment: Not observed at significant frequency in large population cohorts (gnomAD); In silico analysis supports that this missense variant has a deleterious effect on protein structure/function; Has not been previously published as pathogenic or benign to our knowledge; This substitution is predicted to be within the extracellular loop between the S5 and S6 transmembrane segments of the first homologous domain

Labcorp Genetics (formerly Invitae), Labcorp
Classification: Uncertain significance for Early-infantile DEE. Last evaluated: 2024-05-13. Review status: criteria provided, single submitter. Criteria: Invitae Variant Classification Sherloc (09022015). Collection method: clinical testing. Allele origin: germline.
Comment: This sequence change replaces asparagine, which is neutral and polar, with aspartic acid, which is acidic and polar, at codon 301 of the SCN1A protein (p.Asn301Asp). This variant is not present in population databases (gnomAD no frequency). This variant has not been reported in the literature in individuals affected with SCN1A-related conditions. Advanced modeling of protein sequence and biophysical properties (such as structural, functional, and spatial information, amino acid conservation, physicochemical variation, residue mobility, and thermodynamic stability) has been performed at Invitae for this missense variant, however the output from this modeling did not meet the statistical confidence thresholds required to predict the impact of this variant on SCN1A protein function. In summary, the available evidence is currently insufficient to determine the role of this variant in disease. Therefore, it has been classified as a Variant of Uncertain Significance.

NM_001165963.4(SCN1A):c.901A>G (p.Asn301Asp)

Gene: SCN1A (sodium voltage-gated channel alpha subunit 1; minus strand). Cytogenetic location: 2q24.3.
Variant type: single nucleotide variant.
Coding change: c.901A>G on transcript NM_001165963.4 (MANE Select); coding-DNA position 901, A replaced by G.
Protein change: p.Asn301Asp; replaces asparagine 301 with aspartic acid.
Molecular consequence: missense variant. On other transcripts: 5 prime UTR variant (1), non-coding transcript variant (1).
Genome position (GRCh38, 1-based): chr2:166,051,782, T>C on the plus strand (A>G on the coding strand, the complement: SCN1A is on the minus strand). VCF-style: chr2-166051782-T-C. GRCh37 (hg19) VCF-style: chr2-166908292-T-C.
Other names: c.901A>G (NM_001165963.1); c.901A>G, p.Asn301Asp (NM_001165964.3, NM_001202435.3, NM_001353948.2 and 10 more transcripts); c.-1525A>G (NM_001353961.2); short protein forms N301D.
Identifiers: ClinVar variation 2707979 (VCV002707979.4), dbSNP rs2468221685, ClinGen allele CA349072702.